The following is an entry in ClinVar:

NM_002693.3(POLG):c.1084C>G (p.Leu362Val)

Gene: POLG (DNA polymerase gamma, catalytic subunit; minus strand). Cytogenetic location: 15q26.1.
Variant type: single nucleotide variant.
Coding change: c.1084C>G on transcript NM_002693.3 (MANE Select); coding-DNA position 1084, C replaced by G.
Protein change: p.Leu362Val; replaces leucine 362 with valine.
Molecular consequence: missense variant.
Genome position (GRCh38, 1-based): chr15:89,328,771, G>C on the plus strand (C>G on the coding strand, the complement: POLG is on the minus strand). VCF-style: chr15-89328771-G-C. GRCh37 (hg19) VCF-style: chr15-89872002-G-C.
Other names: c.1084C>G, p.Leu362Val (NM_001126131.2); short protein forms L362V.
Identifiers: ClinVar variation 619404 (VCV000619404.15), dbSNP rs763248358, ClinGen allele CA10602179.

ClinVar aggregate classification (germline): Uncertain significance. Review status: criteria provided, multiple submitters, no conflicts (2 of 4 stars). 6 submissions from 6 submitters: Uncertain significance (6). Last evaluated 2026-09-01.

Conditions:
POLG-related disorder. Also called: POLG-Related Spectrum Disorders; POLG-related condition; POLG-Related Disorders. Identifiers: MedGen C4763519.
Progressive sclerosing poliodystrophy (MTDPS4A). Also called: ALPERS DIFFUSE DEGENERATION OF CEREBRAL GRAY MATTER WITH HEPATIC CIRRHOSIS; Mitochondrial DNA Depletion Syndrome 4A; NEURONAL DEGENERATION OF CHILDHOOD WITH LIVER DISEASE, PROGRESSIVE; Mitochondrial DNA depletion syndrome 4A (Alpers type); Alpers-Huttenlocher Syndrome; Alpers-Huttenlocher Syndrome (AHS). Identifiers: Orphanet 726, MedGen C0205710, MONDO:0008758, OMIM 203700.

Allele frequency attached by ClinVar (database versions not stated): gnomAD 0.00001; gnomAD exomes 0.00002; TOPMed 0.00002.
gnomAD v4.1: 8 of 1,614,002 alleles (0.0005%); highest among the groups gnomAD compares: Non-Finnish European, 0.00068%; no homozygotes.

Submissions (6):

CeGaT Center for Human Genetics Tuebingen
Classification: Uncertain significance. Last evaluated: 2026-09-01. Review status: criteria provided, single submitter. Criteria: CeGaT Center For Human Genetics Tuebingen Variant Classification Criteria Version 2. Collection method: clinical testing. Allele origin: germline. Affected: yes. Observed: 1 variant allele.

Labcorp Genetics (formerly Invitae), Labcorp
Classification: Uncertain significance for Progressive sclerosing poliodystrophy. Last evaluated: 2024-11-10. Review status: criteria provided, single submitter. Criteria: Invitae Variant Classification Sherloc (09022015). Collection method: clinical testing. Allele origin: germline.
Comment: This sequence change replaces leucine, which is neutral and non-polar, with valine, which is neutral and non-polar, at codon 362 of the POLG protein (p.Leu362Val). This variant is present in population databases (rs763248358, gnomAD 0.003%). This variant has not been reported in the literature in individuals affected with POLG-related conditions. ClinVar contains an entry for this variant (Variation ID: 619404). Invitae Evidence Modeling of protein sequence and biophysical properties (such as structural, functional, and spatial information, amino acid conservation, physicochemical variation, residue mobility, and thermodynamic stability) indicates that this missense variant is expected to disrupt POLG protein function with a positive predictive value of 95%. In summary, the available evidence is currently insufficient to determine the role of this variant in disease. Therefore, it has been classified as a Variant of Uncertain Significance.

Blueprint Genetics
Classification: Uncertain significance. Last evaluated: 2021-02-01. Review status: criteria provided, single submitter. Criteria: ACMG Guidelines, 2015. Collection method: clinical testing. Allele origin: germline.

GeneDx
Classification: Uncertain significance. Last evaluated: 2018-12-14. Review status: criteria provided, single submitter. Criteria: GeneDx Variant Classification Process June 2021. Collection method: clinical testing. Allele origin: germline. Affected: yes.
Comment: Not observed at a significant frequency in large population cohorts (Lek et al., 2016); In silico analysis, which includes protein predictors and evolutionary conservation, supports a deleterious effect; Has not been previously published as pathogenic or benign to our knowledge

Wong Mito Lab, Molecular and Human Genetics, Baylor College of Medicine
Classification: Uncertain significance for Progressive sclerosing poliodystrophy. Last evaluated: 2018-10-01. Review status: criteria provided, single submitter. Criteria: ACMG Guidelines, 2015. Collection method: clinical testing. Allele origin: germline.
Comment: The NM_002693.2:c.1084C>G (NP_002684.1:p.Leu362Val) [GRCH38: NC_000015.10:g.89328771G>C] variant in POLG gene is interpretated to be a Uncertain Significance based on ACMG guidelines (PMID: 25741868). This variant meets the following evidence codes reported in the ACMG-guideline. BP2:The variant is observed in trans/cis with a dominant variant. PM2:This variant is absent in key population databases. Based on the evidence criteria codes applied, the variant is suggested to be Uncertain Significance.

Illumina Laboratory Services, Illumina
Classification: Uncertain significance for POLG-Related Spectrum Disorders. Last evaluated: 2018-01-13. Review status: criteria provided, single submitter. Criteria: ICSL Variant Classification Criteria 13 December 2019. Collection method: clinical testing. Allele origin: germline.